The following is an entry in ClinVar:

ClinVar aggregate classification (germline): Likely pathogenic (0 of 4 stars; one submission).

Conditions:
ACTB-related disorder. Also called: ACTB-related condition; ACTB-related disorders.

Submission:

PreventionGenetics, part of Exact Sciences
Classification: Likely pathogenic for ACTB-related condition. Last evaluated: 2024-07-17. Review status: no assertion criteria provided. Collection method: clinical testing. Allele origin: germline.
Comment: The ACTB c.332A>G variant is predicted to result in the amino acid substitution p.Asn111Ser. To our knowledge, this variant has not been reported in the literature or in a large population database, indicating this variant is rare. This variant is interpreted as likely pathogenic.

NM_001101.5(ACTB):c.332A>G (p.Asn111Ser)

Gene: ACTB (actin beta; minus strand). Cytogenetic location: 7p22.1.
Variant type: single nucleotide variant.
Coding change: c.332A>G on transcript NM_001101.5 (MANE Select); coding-DNA position 332, A replaced by G.
Protein change: p.Asn111Ser; replaces asparagine 111 with serine.
Molecular consequence: missense variant.
Genome position (GRCh38, 1-based): chr7:5,529,192, T>C on the plus strand (A>G on the coding strand, the complement: ACTB is on the minus strand). VCF-style: chr7-5529192-T-C. GRCh37 (hg19) VCF-style: chr7-5568823-T-C.
Other names: short protein forms N111S.
Identifiers: ClinVar variation 3356875 (VCV003356875.1).